The following is an entry in ClinVar:

Conditions:
Long QT syndrome 5 (LQT5). Identifiers: Orphanet 101016, Orphanet 768, MedGen C1867904, MONDO:0013372, OMIM 613695.

Submission:

Roden Lab, Vanderbilt University Medical Center
No classification provided (evidence only). Condition: Long QT syndrome 5. Review status: no classification provided. Collection method: in vitro. Allele origin: not applicable. Functional consequence: Effect on ion channel function.
ClinVar note: "not provided" was previously submitted as the classification for the variant. However, the classification appeared to be based only on an observation of functional data so it was converted to no classification on 2025-07-30.

NM_000219.6(KCNE1):c.89T>A (p.Leu30Gln)

Gene: KCNE1 (potassium voltage-gated channel subfamily E regulatory subunit 1; minus strand). Cytogenetic location: 21q22.12.
Variant type: single nucleotide variant.
Coding change: c.89T>A on transcript NM_000219.6 (MANE Select); coding-DNA position 89, T replaced by A.
Protein change: p.Leu30Gln; replaces leucine 30 with glutamine.
Molecular consequence: missense variant.
Genome position (GRCh38, 1-based): chr21:34,449,546, A>T on the plus strand (T>A on the coding strand, the complement: KCNE1 is on the minus strand). VCF-style: chr21-34449546-A-T. GRCh37 (hg19) VCF-style: chr21-35821844-A-T.
Other names: c.89T>A, p.Leu30Gln (NM_001127668.4, NM_001127669.4, NM_001127670.4 and 4 more transcripts); short protein forms L30Q.
Identifiers: ClinVar variation 3374016 (VCV003374016.2).
Genomic context (GRCh38, chr21:34,449,546, plus strand): 5'-ACCATGAGGACGTAGAGGGCCTCCAGCTTGCCGTCACTGCTGCGGGGGGACCTGCGGGCC[A>T]GGCCCGACATGTTGCCACCCTGCTGAACTGTCTCCTGCCACAGCTTGGTCAGAAAGGGCG-3'
Protein context (NP_000210.2, residues 20-40): TVQQGGNMSG[Leu30Gln]ARRSPRSSDG